The following is an entry in ClinVar:

NM_001211.6(BUB1B):c.2382A>G (p.Ile794Met)

Gene: BUB1B (BUB1 mitotic checkpoint serine/threonine kinase B; plus strand). Cytogenetic location: 15q15.1.
Variant type: single nucleotide variant.
Coding change: c.2382A>G on transcript NM_001211.6 (MANE Select); coding-DNA position 2382, A replaced by G.
Protein change: p.Ile794Met; replaces isoleucine 794 with methionine.
Molecular consequence: missense variant.
Genome position (GRCh38, 1-based): chr15:40,210,207, A>G. VCF-style: chr15-40210207-A-G. GRCh37 (hg19) VCF-style: chr15-40502408-A-G.
Other names: short protein forms I794M.
Identifiers: ClinVar variation 2562094 (VCV002562094.3), dbSNP rs1201240905, ClinGen allele CA391695074.

ClinVar aggregate classification (germline): Uncertain significance (1 of 4 stars; one submission).

Conditions:
Inborn genetic diseases. Identifiers: MedGen C0950123, MeSH D030342.

Allele frequency attached by ClinVar (database versions not stated): gnomAD exomes 0.00001; TOPMed below 0.00001.
gnomAD v4.1: 6 of 1,591,174 alleles (0.00038%); highest among the groups gnomAD compares: Non-Finnish European, 0.00052%; no homozygotes.

Submission:

Ambry Genetics
Classification: Uncertain significance for Inborn genetic diseases. Last evaluated: 2025-06-02. Review status: criteria provided, single submitter. Criteria: Ambry Variant Classification Scheme 2023. Collection method: clinical testing. Allele origin: germline.
Comment: The p.I794M variant (also known as c.2382A>G), located in coding exon 18 of the BUB1B gene, results from an A to G substitution at nucleotide position 2382. The isoleucine at codon 794 is replaced by methionine, an amino acid with highly similar properties. This amino acid position is conserved. In addition, this alteration is predicted to be tolerated by in silico analysis. Since supporting evidence is limited at this time, the clinical significance of this alteration remains unclear.